The following is an entry in ClinVar:

NM_000071.3(CBS):c.1072G>A (p.Val358Met)

Gene: CBS (cystathionine beta-synthase; minus strand). Cytogenetic location: 21q22.3.
Variant type: single nucleotide variant.
Coding change: c.1072G>A on transcript NM_000071.3 (MANE Select); coding-DNA position 1072, G replaced by A.
Protein change: p.Val358Met; replaces valine 358 with methionine.
Molecular consequence: missense variant.
Genome position (GRCh38, 1-based): chr21:43,060,514, C>T on the plus strand (G>A on the coding strand, the complement: CBS is on the minus strand). VCF-style: chr21-43060514-C-T. GRCh37 (hg19) VCF-style: chr21-44480624-C-T.
Other names: p.V358M:GTG>ATG; c.1072G>A, p.Val358Met (NM_001178008.3, NM_001178009.3, NM_001320298.2); c.757G>A, p.Val253Met (NM_001321072.1); short protein forms V358M, V253M.
Identifiers: ClinVar variation 193971 (VCV000193971.24), dbSNP rs148589243, ClinGen allele CA239721.

ClinVar aggregate classification (germline): Conflicting classifications of pathogenicity. Review status: criteria provided, conflicting classifications (1 of 4 stars). 9 submissions from 9 submitters: Uncertain significance (7); Likely benign (1). 1 of the submissions does not count toward it. Last evaluated 2025-10-13.

Conditions:
Familial thoracic aortic aneurysm and aortic dissection (TAAD). Also called: Thoracic aortic aneurysms and dissections. Identifiers: Orphanet 91387, MedGen C4707243, MONDO:0019625.
Classic homocystinuria. Also called: Homocystinuria due to CBS deficiency; Cystathionine beta-synthase deficiency; CBS deficiency; HOMOCYSTINURIA WITH OR WITHOUT RESPONSE TO PYRIDOXINE; Homocystinuria due to Cystathionine Beta-Synthase Deficiency. Identifiers: Orphanet 394, MedGen C0751202, MONDO:0009352, OMIM 236200.
HYPERHOMOCYSTEINEMIA, THROMBOTIC, CBS-RELATED. Identifiers: MedGen C3150344, OMIM 236200.

Allele frequency attached by ClinVar (database versions not stated): ExAC 0.00010; gnomAD 0.00013; gnomAD exomes 0.00015; 1000 Genomes Project 0.00020; ESP Exome Variant Server 0.00038.

Submissions (9):

Women's Health and Genetics/Laboratory Corporation of America, LabCorp
Classification: Uncertain significance. Last evaluated: 2025-10-13. Review status: criteria provided, single submitter. Criteria: LabCorp Variant Classification Summary - May 2015. Collection method: clinical testing. Allele origin: germline.
Comment: Variant summary: CBS c.1072G>A (p.Val358Met) results in a conservative amino acid change in the encoded protein sequence. Algorithms developed to predict the effect of missense changes on protein structure and function are either unavailable or do not agree on the potential impact of this missense change. The variant allele was found at a frequency of 0.0001 in 239690 control chromosomes. This frequency is not significantly higher than estimated for disease-causing variants in CBS, allowing no conclusion about variant significance. To our knowledge, no occurrence of c.1072G>A in individuals affected with CBS-related conditions has been reported. One publication reports experimental evidence evaluating an impact on protein function, however, does not allow convincing conclusions about the variant effect (Wei_2010). The following publication has been ascertained in the context of this evaluation (PMID: 20455263). ClinVar contains an entry for this variant (Variation ID: 193971). Based on the evidence outlined above, the variant was classified as uncertain significance.

Labcorp Genetics (formerly Invitae), Labcorp
Classification: Uncertain significance for HYPERHOMOCYSTEINEMIA, THROMBOTIC, CBS-RELATED. Last evaluated: 2022-07-30. Review status: criteria provided, single submitter. Criteria: Invitae Variant Classification Sherloc (09022015). Collection method: clinical testing. Allele origin: germline.
Comment: This sequence change replaces valine, which is neutral and non-polar, with methionine, which is neutral and non-polar, at codon 358 of the CBS protein (p.Val358Met). This variant is present in population databases (rs148589243, gnomAD 0.02%). This variant has not been reported in the literature in individuals affected with CBS-related conditions. ClinVar contains an entry for this variant (Variation ID: 193971). Algorithms developed to predict the effect of missense changes on protein structure and function (SIFT, PolyPhen-2, Align-GVGD) all suggest that this variant is likely to be tolerated. In summary, the available evidence is currently insufficient to determine the role of this variant in disease. Therefore, it has been classified as a Variant of Uncertain Significance.

Ambry Genetics
Classification: Uncertain significance for Familial thoracic aortic aneurysm and aortic dissection. Last evaluated: 2022-01-10. Review status: criteria provided, single submitter. Criteria: Ambry Variant Classification Scheme 2023. Collection method: clinical testing. Allele origin: germline.

ARUP Laboratories, Molecular Genetics and Genomics, ARUP Laboratories
Classification: Uncertain significance. Last evaluated: 2021-07-02. Review status: criteria provided, single submitter. Criteria: ARUP Molecular Germline Variant Investigation Process 2021. Collection method: clinical testing. Allele origin: germline.
Comment: The CBS c.1072G>A; p.Val358Met variant (rs148589243), to our knowledge, is not reported in the medical literature but is reported in ClinVar (Variation ID: 193971). This variant is found in the general population with an overall allele frequency of 0.01 % (28/ 271,082 alleles) in the Genome Aggregation Database. The valine at codon 358 is moderately conserved, and computational analyses are uncertain whether this variant is neutral or deleterious (REVEL: 0.565). Due to limited information, the clinical significance of the p.Val358Met variant is uncertain at this time.

GeneDx
Classification: Likely benign. Last evaluated: 2020-12-04. Review status: criteria provided, single submitter. Criteria: GeneDx Variant Classification Process June 2021. Collection method: clinical testing. Allele origin: germline. Affected: yes.
Comment: This variant is associated with the following publications: (PMID: no PMID)

Illumina Laboratory Services, Illumina
Classification: Uncertain significance for Classic homocystinuria. Last evaluated: 2017-04-27. Review status: criteria provided, single submitter. Criteria: ICSL Variant Classification Criteria 13 December 2019. Collection method: clinical testing. Allele origin: germline.

Center for Pediatric Genomic Medicine, Children's Mercy Hospital and Clinics
Classification: Uncertain significance. Last evaluated: 2016-07-06. Review status: criteria provided, single submitter. Criteria: ACMG Guidelines, 2015. Collection method: clinical testing. Allele origin: germline.
ClinVar note: Converted during submission from Uncertain Significance to Uncertain significance.

Eurofins Ntd Llc (ga)
Classification: Uncertain significance. Last evaluated: 2015-02-23. Review status: criteria provided, single submitter. Criteria: EGL Classification Definitions 2015. Collection method: clinical testing. Allele origin: germline. Observed: 1 variant allele, 1 heterozygote.

Natera, Inc.
Classification: Uncertain significance for Homocystinuria due to cystathionine beta-synthase deficiency. Last evaluated: 2020-01-06. Review status: no assertion criteria provided. Collection method: clinical testing. Allele origin: germline. Not counted in ClinVar's aggregate classification.

Literature cited by the submitters: PubMed 20455263 (cited by Women's Health and Genetics/Laboratory Corporation of America, LabCorp).